The following is an entry in ClinVar:

NM_000153.4(GALC):c.739G>T (p.Val247Phe)

Gene: GALC (galactosylceramidase; minus strand). Cytogenetic location: 14q31.3.
Variant type: single nucleotide variant.
Coding change: c.739G>T on transcript NM_000153.4 (MANE Select); coding-DNA position 739, G replaced by T.
Protein change: p.Val247Phe; replaces valine 247 with phenylalanine.
Molecular consequence: missense variant.
Genome position (GRCh38, 1-based): chr14:87,976,371, C>A on the plus strand (G>T on the coding strand, the complement: GALC is on the minus strand). VCF-style: chr14-87976371-C-A. GRCh37 (hg19) VCF-style: chr14-88442715-C-A.
Other names: c.670G>T, p.Val224Phe (NM_001201401.2); c.661G>T, p.Val221Phe (NM_001201402.2); short protein forms V221F, V224F, V247F.
Identifiers: ClinVar variation 1077097 (VCV001077097.3), dbSNP rs2140016089, ClinGen allele CA390749292.

ClinVar aggregate classification (germline): Likely pathogenic (1 of 4 stars; one submission).

Conditions:
Galactosylceramide beta-galactosidase deficiency. Also called: GALACTOCEREBROSIDASE DEFICIENCY; GALC DEFICIENCY; GLOBOID CELL LEUKOENCEPHALOPATHY; Krabbe Disease; Leukodystrophy, Globoid Cell. Identifiers: Orphanet 487, MedGen C0023521, MONDO:0009499, OMIM 245200.

Submission:

Foundation for Research in Genetics and Endocrinology, FRIGE's Institute of Human Genetics
Classification: Likely pathogenic for Galactosylceramide beta-galactosidase deficiency. Last evaluated: 2021-03-17. Review status: criteria provided, single submitter. Criteria: ACMG Guidelines, 2015. Collection method: clinical testing. Allele origin: germline. Inheritance: Autosomal recessive inheritance. Affected: yes. Observed: 1 variant allele, 1 homozygote.
Comment: A homozygous missense variant in exon 7 of the GALC gene that results in the amino acid substitution of Phenylalanine for Valine at codon 247 was detected. The observed variant c.739G>T (p.Val247Phe) has not been reported in the 1000 genomes and ExAC databases. The in silico prediction of the variant is damaging by MutationTaster2. The reference codon is conserved across species. In summary, the variant meets our criteria to be classified as likely pathogenic.